The following is an entry in ClinVar:

NM_001353694.2(TIAM1):c.846G>A (p.Pro282=)

Gene: TIAM1 (TIAM Rac1 associated GEF 1; minus strand). Cytogenetic location: 21q22.11.
Variant type: single nucleotide variant.
Coding change: c.846G>A on transcript NM_001353694.2 (MANE Select); coding-DNA position 846, G replaced by A.
Protein change: p.Pro282=; no amino-acid change (proline 282 retained).
Molecular consequence: synonymous variant.
Genome position (GRCh38, 1-based): chr21:31,266,127, C>T on the plus strand (G>A on the coding strand, the complement: TIAM1 is on the minus strand). VCF-style: chr21-31266127-C-T. GRCh37 (hg19) VCF-style: chr21-32638443-C-T.
Other names: c.846G>A, p.Pro282= (NM_001353686.2, NM_001353687.2, NM_001353688.1 and 6 more transcripts).
Identifiers: ClinVar variation 4979841 (VCV004979841.1).

ClinVar aggregate classification (germline): Likely benign (1 of 4 stars; one submission).

Conditions:
TIAM1-related disorder. Also called: TIAM1-related condition.

gnomAD v4.1: 208 of 1,614,020 alleles (0.013%); highest among the groups gnomAD compares: Middle Eastern, 0.016%; no homozygotes.

Submission:

PreventionGenetics, part of Exact Sciences
Classification: Likely benign for TIAM1-related condition. Last evaluated: 2026-04-30. Review status: criteria provided, single submitter. Criteria: ACMG Guidelines, 2015. Collection method: clinical testing. Allele origin: germline.
Comment: This variant is classified as likely benign based on ACMG/AMP sequence variant interpretation guidelines (Richards et al. 2015 PMID: 25741868, with internal and published modifications).